The following is an entry in ClinVar:

ClinVar aggregate classification (germline): Conflicting classifications of pathogenicity. Review status: criteria provided, conflicting classifications (1 of 4 stars). 2 submissions from 2 submitters: Uncertain significance (1); Likely benign (1). Last evaluated 2025-07-08.

Conditions:
Developmental and epileptic encephalopathy, 42 (DEE42A). Also called: Epileptic encephalopathy, early infantile, 42; DEVELOPMENTAL AND EPILEPTIC ENCEPHALOPATHY 42A; EPILEPTIC ENCEPHALOPATHY, EARLY INFANTILE, 42A. Identifiers: MedGen C4310716, MONDO:0014917, OMIM 617106.
Episodic ataxia type 2 (EA2). Also called: ACETAZOLAMIDE-RESPONSIVE HEREDITARY PAROXYSMAL CEREBELLAR ATAXIA; ATAXIA, EPISODIC, WITH NYSTAGMUS; ATAXIA, FAMILIAL PAROXYSMAL; CEREBELLAR ATAXIA, PAROXYSMAL, ACETAZOLAMIDE-RESPONSIVE; CEREBELLOPATHY, HEREDITARY PAROXYSMAL; EPISODIC ATAXIA, NYSTAGMUS-ASSOCIATED. Identifiers: Orphanet 97, MedGen C1720416, MONDO:0007163, OMIM 108500.
Inborn genetic diseases. Identifiers: MedGen C0950123, MeSH D030342.

Allele frequency attached by ClinVar (database versions not stated): TOPMed below 0.00001; gnomAD 0.00003; gnomAD exomes 0.00001; ExAC 0.00002.
gnomAD v4.1: 20 of 1,613,342 alleles (0.0012%); highest among the groups gnomAD compares: African/African-American, 0.008%; no homozygotes.

Submissions (2):

Labcorp Genetics (formerly Invitae), Labcorp
Classification: Likely benign for Developmental and epileptic encephalopathy, 42; Episodic ataxia type 2. Last evaluated: 2025-07-08. Review status: criteria provided, single submitter. Criteria: Invitae Variant Classification Sherloc (09022015). Collection method: clinical testing. Allele origin: germline.

Ambry Genetics
Classification: Uncertain significance for Inborn genetic diseases. Last evaluated: 2018-01-30. Review status: criteria provided, single submitter. Criteria: Ambry Variant Classification Scheme 2023. Collection method: clinical testing. Allele origin: germline.
Comment: The p.R482H variant (also known as c.1445G>A), located in coding exon 11 of the CACNA1A gene, results from a G to A substitution at nucleotide position 1445. The arginine at codon 482 is replaced by histidine, an amino acid with highly similar properties. This amino acid position is well conserved in available vertebrate species. In addition, the in silico prediction for this alteration is inconclusive. Since supporting evidence is limited at this time, the clinical significance of this alteration remains unclear.

NM_001127222.2(CACNA1A):c.1442G>A (p.Arg481His)

Gene: CACNA1A (calcium voltage-gated channel subunit alpha1 A; minus strand). Cytogenetic location: 19p13.13.
Variant type: single nucleotide variant.
Coding change: c.1442G>A on transcript NM_001127222.2 (MANE Select); coding-DNA position 1442, G replaced by A.
Protein change: p.Arg481His; replaces arginine 481 with histidine.
Molecular consequence: missense variant.
Genome position (GRCh38, 1-based): chr19:13,317,225, C>T on the plus strand (G>A on the coding strand, the complement: CACNA1A is on the minus strand). VCF-style: chr19-13317225-C-T. GRCh37 (hg19) VCF-style: chr19-13428039-C-T.
Other names: c.1445G>A, p.Arg482His (NM_000068.4, NM_001127221.2, NM_001174080.2 and 1 more transcripts); short protein forms R481H, R482H.
Identifiers: ClinVar variation 1003114 (VCV001003114.11), dbSNP rs763944721, ClinGen allele CA9240810.